The following is an entry in ClinVar:

NM_006929.5(SKIC2):c.1889G>A (p.Arg630His)

Gene: SKIC2 (SKI2 subunit of superkiller complex; plus strand). Cytogenetic location: 6p21.33.
Variant type: single nucleotide variant.
Coding change: c.1889G>A on transcript NM_006929.5 (MANE Select); coding-DNA position 1889, G replaced by A.
Protein change: p.Arg630His; replaces arginine 630 with histidine.
Molecular consequence: missense variant.
Genome position (GRCh38, 1-based): chr6:31,964,260, G>A. VCF-style: chr6-31964260-G-A. GRCh37 (hg19) VCF-style: chr6-31932037-G-A.
Other names: short protein forms R630H.
Identifiers: ClinVar variation 1462535 (VCV001462535.5), dbSNP rs1431710354, ClinGen allele CA363464282.
Genomic context (GRCh38, chr6:31,964,260, plus strand): 5'-CATCCCTGACCATGGGCCTCCTCCCACCAAAGGTCCTGCACATGTCAGAGCTCCTGAATC[G>A]CGGCCTGGGTGTGCACCATAGCGGCATCCTGCCCATCCTCAAGGAGATCGTGGAGATGCT-3'
Protein context (NP_008860.4, residues 620-640): QVLHMSELLN[Arg630His]GLGVHHSGIL

ClinVar aggregate classification (germline): Uncertain significance (1 of 4 stars; one submission).

Allele frequency attached by ClinVar (database versions not stated): gnomAD exomes below 0.00001 and 0.00001; TOPMed below 0.00001; gnomAD 0.00001.
gnomAD v4.1: 11 of 1,612,942 alleles (0.00068%); highest among the groups gnomAD compares: African/African-American, 0.0013%; no homozygotes.

Submission:

Labcorp Genetics (formerly Invitae), Labcorp
Classification: Uncertain significance. Last evaluated: 2021-08-27. Review status: criteria provided, single submitter. Criteria: Invitae Variant Classification Sherloc (09022015). Collection method: clinical testing. Allele origin: germline.
Comment: This sequence change replaces arginine with histidine at codon 630 of the SKIV2L protein (p.Arg630His). The arginine residue is highly conserved and there is a small physicochemical difference between arginine and histidine. This variant is not present in population databases (ExAC no frequency). This variant has not been reported in the literature in individuals affected with SKIV2L-related conditions. Algorithms developed to predict the effect of missense changes on protein structure and function are either unavailable or do not agree on the potential impact of this missense change (SIFT: "Deleterious"; PolyPhen-2: "Benign"; Align-GVGD: "Class C0"). In summary, the available evidence is currently insufficient to determine the role of this variant in disease. Therefore, it has been classified as a Variant of Uncertain Significance.